The following is an entry in ClinVar:

ClinVar aggregate classification (germline): Likely benign (1 of 4 stars; one submission).

gnomAD v4.1: 8 of 1,613,910 alleles (0.0005%); highest among the groups gnomAD compares: East Asian, 0.0045%; no homozygotes.

Submission:

CeGaT Center for Human Genetics Tuebingen
Classification: Likely benign. Last evaluated: 2026-07-01. Review status: criteria provided, single submitter. Criteria: CeGaT Center For Human Genetics Tuebingen Variant Classification Criteria Version 2. Collection method: clinical testing. Allele origin: germline. Affected: yes. Observed: 1 variant allele.
Comment: ASXL2: BP4

NM_018263.6(ASXL2):c.3445C>T (p.Arg1149Cys)

Gene: ASXL2 (ASXL transcriptional regulator 2; minus strand). Cytogenetic location: 2p23.3.
Variant type: single nucleotide variant.
Coding change: c.3445C>T on transcript NM_018263.6 (MANE Select); coding-DNA position 3445, C replaced by T.
Protein change: p.Arg1149Cys; replaces arginine 1149 with cysteine.
Molecular consequence: missense variant.
Genome position (GRCh38, 1-based): chr2:25,742,892, G>A on the plus strand (C>T on the coding strand, the complement: ASXL2 is on the minus strand). VCF-style: chr2-25742892-G-A. GRCh37 (hg19) VCF-style: chr2-25965761-G-A.
Other names: c.3271C>T, p.Arg1091Cys (NM_001369346.1); c.2665C>T, p.Arg889Cys (NM_001369347.1); short protein forms R1091C, R1149C, R889C.
Identifiers: ClinVar variation 5039441 (VCV005039441.1).
Genomic context (GRCh38, chr2:25,742,892, plus strand): 5'-CATTTTTACAGTCTGTATATCCCATTTTCAAGGCTTCAGTGGGGCTGCTTAGACAAAAAC[G>A]ATCTTCAGGGTTTACAGAATGGGTCCTCCTAAAGCTCTCTGAGCCCCGGCCGTAGGTAGA-3'
Protein context (NP_060733.4, residues 1139-1159): RRTHSVNPED[Arg1149Cys]FCLSSPTEAL